The following is an entry in ClinVar:

NM_014611.3(MDN1):c.9905G>A (p.Arg3302Gln)

Gene: MDN1 (midasin AAA ATPase 1; minus strand). Cytogenetic location: 6q15.
Variant type: single nucleotide variant.
Coding change: c.9905G>A on transcript NM_014611.3 (MANE Select); coding-DNA position 9905, G replaced by A.
Protein change: p.Arg3302Gln; replaces arginine 3302 with glutamine.
Molecular consequence: missense variant.
Genome position (GRCh38, 1-based): chr6:89,693,125, C>T on the plus strand (G>A on the coding strand, the complement: MDN1 is on the minus strand). VCF-style: chr6-89693125-C-T. GRCh37 (hg19) VCF-style: chr6-90402844-C-T.
Other names: c.9905G>A (NM_014611.2); short protein forms R3302Q.
Identifiers: ClinVar variation 2240846 (VCV002240846.4), dbSNP rs114940987, ClinGen allele CA3923675.

ClinVar aggregate classification (germline): Likely benign. Review status: criteria provided, single submitter (1 of 4 stars). 2 submissions from 2 submitters: Likely benign (1). 1 of the submissions does not count toward it. Last evaluated 2021-06-10.

Conditions:
MDN1-related disorder. Also called: MDN1-related condition.

Allele frequency attached by ClinVar (database versions not stated): 1000 Genomes Project 0.00040; gnomAD 0.00052; TOPMed 0.00057; 1000 Genomes Project 30x 0.00062; gnomAD exomes 0.00066; ExAC 0.00088; ESP Exome Variant Server 0.00100.
gnomAD v4.1: 1,072 of 1,598,242 alleles (0.067%); highest among the groups gnomAD compares: Middle Eastern, 0.5%; 2 homozygotes.

Submissions (2):

Ambry Genetics
Classification: Likely benign. Last evaluated: 2021-06-10. Review status: criteria provided, single submitter. Criteria: Ambry Variant Classification Scheme 2023. Collection method: clinical testing. Allele origin: germline.

PreventionGenetics, part of Exact Sciences
Classification: Benign for MDN1-related condition. Last evaluated: 2019-10-28. Review status: no assertion criteria provided. Collection method: clinical testing. Allele origin: germline. Not counted in ClinVar's aggregate classification.
Comment: This variant is classified as benign based on ACMG/AMP sequence variant interpretation guidelines (Richards et al. 2015 PMID: 25741868, with internal and published modifications).